The following is an entry in ClinVar:

ClinVar aggregate classification (germline): Benign (1 of 4 stars; one submission).

Allele frequency attached by ClinVar (database versions not stated): gnomAD 0.00006; gnomAD exomes 0.00010 and 0.00021; TOPMed 0.00012.
gnomAD v4.1: 170 of 1,610,486 alleles (0.011%); highest among the groups gnomAD compares: East Asian, 0.13%; 1 homozygote.

Submission:

GeneDx
Classification: Benign. Last evaluated: 2015-09-14. Review status: criteria provided, single submitter. Criteria: GeneDx Variant Classification (06012015). Collection method: clinical testing. Allele origin: germline. Affected: yes.
Comment: This variant is considered likely benign or benign based on one or more of the following criteria: it is a conservative change, it occurs at a poorly conserved position in the protein, it is predicted to be benign by multiple in silico algorithms, and/or has population frequency not consistent with disease.

NM_058216.1(RAD51C):c.-48G>T

Gene: RAD51C (RAD51 paralog C; plus strand). Cytogenetic location: 17q22.
Variant type: single nucleotide variant.
Coding change: c.-48G>T on transcript NM_058216.1; 48 bases upstream of the start codon, G replaced by T.
Molecular consequence: non-coding transcript variant (on NR_103873.1).
Genome position (GRCh38, 1-based): chr17:58,692,596, G>T. VCF-style: chr17-58692596-G-T. GRCh37 (hg19) VCF-style: chr17-56769957-G-T.
Identifiers: ClinVar variation 379465 (VCV000379465.3), dbSNP rs774649783, ClinGen allele CA8677090.
Genomic context (GRCh38, chr17:58,692,596, plus strand): 5'-GCCAGGCCGCAGAGCCGGCCCCTTCCGCTTTACGTCTGACGTCACGCCGCACGCCCCAGC[G>T]AGGGCGTGCGGAGTTTGGCTGCTCCGGGGTTAGCAGGTGAGCCTGCGATGCGCGGGAAGA-3'